The following is an entry in ClinVar:

ClinVar aggregate classification (germline): Benign/Likely benign. Review status: criteria provided, multiple submitters, no conflicts (2 of 4 stars). 5 submissions from 5 submitters: Benign (1); Likely benign (3). 1 of the submissions does not count toward it. Last evaluated 2026-01-15.

Conditions:
FAT4-related disorder. Also called: FAT4-related condition.
Inborn genetic diseases. Identifiers: MedGen C0950123, MeSH D030342.
Hennekam lymphangiectasia-lymphedema syndrome 2 (HKLLS2). Identifiers: Orphanet 2136, MedGen C4014939, MONDO:0014454, OMIM 616006.
Van Maldergem syndrome 2 (VMLDS2). Identifiers: Orphanet 314679, MedGen C3809875, MONDO:0014242, OMIM 615546.

Allele frequency attached by ClinVar (database versions not stated): TOPMed 0.00002; gnomAD 0.00019 and 0.00001; ExAC 0.00059; 1000 Genomes Project 30x 0.00125; 1000 Genomes Project 0.00140.
gnomAD v4.1: 365 of 1,579,682 alleles (0.023%); highest among the groups gnomAD compares: South Asian, 0.39%; 5 homozygotes.

Submissions (5):

Labcorp Genetics (formerly Invitae), Labcorp
Classification: Benign. Last evaluated: 2026-01-15. Review status: criteria provided, single submitter. Criteria: Invitae Variant Classification Sherloc (09022015). Collection method: clinical testing. Allele origin: germline.

Ambry Genetics
Classification: Likely benign for Inborn genetic diseases. Last evaluated: 2023-12-28. Review status: criteria provided, single submitter. Criteria: Ambry Variant Classification Scheme 2023. Collection method: clinical testing. Allele origin: germline.

Fulgent Genetics
Classification: Likely benign for Van Maldergem syndrome 2; Hennekam lymphangiectasia-lymphedema syndrome 2. Last evaluated: 2022-01-20. Review status: criteria provided, single submitter. Criteria: ACMG Guidelines, 2015. Collection method: clinical testing. Allele origin: unknown.

GeneDx
Classification: Likely benign. Last evaluated: 2019-07-26. Review status: criteria provided, single submitter. Criteria: GeneDx Variant Classification Process June 2021. Collection method: clinical testing. Allele origin: germline. Affected: yes.

PreventionGenetics, part of Exact Sciences
Classification: Likely benign for FAT4-related condition. Last evaluated: 2021-08-16. Review status: no assertion criteria provided. Collection method: clinical testing. Allele origin: germline. Not counted in ClinVar's aggregate classification.
Comment: This variant is classified as likely benign based on ACMG/AMP sequence variant interpretation guidelines (Richards et al. 2015 PMID: 25741868, with internal and published modifications).

NM_001291303.3(FAT4):c.842C>T (p.Thr281Ile)

Gene: FAT4 (FAT atypical cadherin 4; plus strand). Cytogenetic location: 4q28.1.
Variant type: single nucleotide variant.
Coding change: c.842C>T on transcript NM_001291303.3 (MANE Select); coding-DNA position 842, C replaced by T.
Protein change: p.Thr281Ile; replaces threonine 281 with isoleucine.
Molecular consequence: missense variant.
Genome position (GRCh38, 1-based): chr4:125,317,253, C>T. VCF-style: chr4-125317253-C-T. GRCh37 (hg19) VCF-style: chr4-126238408-C-T.
Other names: c.842C>T, p.Thr281Ile (NM_001291285.3, NM_024582.6); c.842C>T (NM_001291303.1); short protein forms T281I.
Identifiers: ClinVar variation 1199864 (VCV001199864.15), dbSNP rs564305264, ClinGen allele CA3071876.